The following is an entry in ClinVar:

NM_001009944.3(PKD1):c.11251_11265dup (p.Gln3751_Gln3755dup)

Genes: PKD1 (polycystin 1, transient receptor potential channel interacting; minus strand), PKD1-AS1 (PKD1 antisense RNA 1; plus strand). Cytogenetic location: 16p13.3.
Variant type: Duplication.
Coding change: c.11251_11265dup on transcript NM_001009944.3 (MANE Select); coding-DNA positions 11251 to 11265, 15 bases duplicated (CAGGTGCGGCTGCAG).
Protein change: p.Gln3751_Gln3755dup.
Molecular consequence: inframe insertion.
Genome position (GRCh38, 1-based): chr16:2,092,484-2,092,498, CTGCAGCCGCACCTG duplicated on the plus strand (CAGGTGCGGCTGCAG on the coding strand, the reverse complement: PKD1 is on the minus strand); duplicating any 15 consecutive bases within chr16:2,092,484-2,092,499 gives the same sequence; the c. name uses the placement nearest the transcript's 3' end. VCF-style (leftmost placement, unchanged base first): chr16-2092483-C-CCTGCAGCCGCACCTG. GRCh37 (hg19) VCF-style: chr16-2142484-C-CCTGCAGCCGCACCTG.
Other names: c.11248_11262dup, p.Gln3750_Gln3754dup (NM_000296.4).
Identifiers: ClinVar variation 372964 (VCV000372964.1), dbSNP rs1057518104, ClinGen allele CA16042936.
Genomic context (GRCh38, chr16:2,092,483, plus strand): 5'-GCTGCTCTCTCAACAAGAGGAACGATTTAAGTCTTGGGGCACGCCCTGCCAGCTCACCTT[C>CCTGCAGCCGCACCTG]CTGCAGCCGCACCTGCCGCAGCCGTGGGGGCCCCAGCTCTGGGCTGGACTGGTTCCCGTG-3'

ClinVar aggregate classification (germline): Likely pathogenic (1 of 4 stars; one submission).

Submission:

GeneDx
Classification: Likely pathogenic. Last evaluated: 2016-06-21. Review status: criteria provided, single submitter. Criteria: GeneDx Variant Classification (06012015). Collection method: clinical testing. Allele origin: germline. Affected: yes.
Comment: The c.11251_11265dup15 variant in the PKD1 gene has not been reported previously as a pathogenic variant nor as a benign variant, to our knowledge. The c.11251_11265dup15 variant causes an in-frame duplication of five amino acid residues starting with codon Glutamine 3751, denoted p.Gln3751_Gln3755dup. Splice predictor models indicate this variant creates a cryptic splice donor site that may supplant the natural donor site. However, in the absence of RNA/functional studies, the actual effect on spicing in this individual is unknown. The c.11251_11265dup15 variant was not observed in approximately 6500 individuals of European and African American ancestry in the NHLBI Exome Sequencing Project, indicating it is not a common benign variant in these populations. The c.11251_11265dup15 variant is a strong candidate for a pathogenic variant, however the possibility it may be a rare benign variant cannot be excluded.